The following is an entry in ClinVar:

ClinVar aggregate classification (germline): Uncertain significance (1 of 4 stars; one submission).

Conditions:
CHARGE syndrome (CHARGE). Also called: Hittner Hirsch Kreh syndrome; Coloboma, heart anomaly, choanal atresia, retardation, genital and ear anomalies; CHARGE association; Hall-Hittner syndrome; CHARGE ASSOCIATION--COLOBOMA, HEART ANOMALY, CHOANAL ATRESIA, RETARDATION, GENITAL AND EAR ANOMALIES. Identifiers: Orphanet 138, MedGen C0265354, MONDO:0008965.

Submission:

Labcorp Genetics (formerly Invitae), Labcorp
Classification: Uncertain significance for CHARGE syndrome. Last evaluated: 2019-05-18. Review status: criteria provided, single submitter. Criteria: Invitae Variant Classification Sherloc (09022015). Collection method: clinical testing. Allele origin: germline.
Comment: In summary, the available evidence is currently insufficient to determine the role of this variant in disease. Therefore, it has been classified as a Variant of Uncertain Significance. Algorithms developed to predict the effect of missense changes on protein structure and function (SIFT, PolyPhen-2, Align-GVGD) all suggest that this variant is likely to be disruptive, but these predictions have not been confirmed by published functional studies and their clinical significance is uncertain. This sequence change replaces aspartic acid with histidine at codon 1755 of the CHD7 protein (p.Asp1755His). The aspartic acid residue is highly conserved and there is a moderate physicochemical difference between aspartic acid and histidine. This variant is not present in population databases (ExAC no frequency). This variant has not been reported in the literature in individuals with CHD7-related conditions.

NM_017780.4(CHD7):c.5263G>C (p.Asp1755His)

Gene: CHD7 (chromodomain helicase DNA binding protein 7; plus strand). Cytogenetic location: 8q12.2.
Variant type: single nucleotide variant.
Coding change: c.5263G>C on transcript NM_017780.4 (MANE Select); coding-DNA position 5263, G replaced by C.
Protein change: p.Asp1755His; replaces aspartic acid 1755 with histidine.
Molecular consequence: missense variant. On other transcripts: intron variant (1).
Genome position (GRCh38, 1-based): chr8:60,848,567, G>C. VCF-style: chr8-60848567-G-C. GRCh37 (hg19) VCF-style: chr8-61761126-G-C.
Other names: c.1717-13662G>C (NM_001316690.1); short protein forms D1755H.
Identifiers: ClinVar variation 943997 (VCV000943997.9), dbSNP rs1805312207, ClinGen allele CA371320870.